The following is an entry in ClinVar:

ClinVar aggregate classification (germline): Conflicting classifications of pathogenicity. Review status: criteria provided, conflicting classifications (1 of 4 stars). 2 submissions from 2 submitters: Pathogenic (1); Uncertain significance (1). Last evaluated 2026-01-26.

Conditions:
Leber congenital amaurosis 13 (LCA13). Identifiers: MedGen C2675186, MONDO:0012990, OMIM 612712.
Inborn genetic diseases. Identifiers: MedGen C0950123, MeSH D030342.

Allele frequency attached by ClinVar (database versions not stated): gnomAD exomes below 0.00001; ExAC 0.00002; gnomAD 0.00002; TOPMed 0.00002; 1000 Genomes Project 30x 0.00016; 1000 Genomes Project 0.00020.
gnomAD v4.1: 8 of 1,614,150 alleles (0.0005%); highest among the groups gnomAD compares: African/African-American, 0.0027%; no homozygotes.

Submissions (2):

Labcorp Genetics (formerly Invitae), Labcorp
Classification: Pathogenic for Leber congenital amaurosis 13. Last evaluated: 2026-01-26. Review status: criteria provided, single submitter. Criteria: Invitae Variant Classification Sherloc (09022015). Collection method: clinical testing. Allele origin: germline.
Comment: This sequence change replaces aspartic acid, which is acidic and polar, with asparagine, which is neutral and polar, at codon 187 of the RDH12 protein (p.Asp187Asn). This variant is present in population databases (rs115356583, gnomAD 0.007%). This missense change has been observed in individual(s) with autosomal recessive retinal dystrophy (PMID: 34001834). In at least one individual the data is consistent with being in trans (on the opposite chromosome) from a pathogenic variant. ClinVar contains an entry for this variant (Variation ID: 2201291). Invitae Evidence Modeling of protein sequence and biophysical properties (such as structural, functional, and spatial information, amino acid conservation, physicochemical variation, residue mobility, and thermodynamic stability) indicates that this missense variant is not expected to disrupt RDH12 protein function with a negative predictive value of 80%. This variant disrupts the p.Asp187 amino acid residue in RDH12. Other variant(s) that disrupt this residue have been determined to be pathogenic (internal data). This suggests that this residue is clinically significant, and that variants that disrupt this residue are likely to be disease-causing. For these reasons, this variant has been classified as Pathogenic.

Ambry Genetics
Classification: Uncertain significance for Inborn genetic diseases. Last evaluated: 2022-07-26. Review status: criteria provided, single submitter. Criteria: Ambry Variant Classification Scheme 2023. Collection method: clinical testing. Allele origin: germline.

Literature cited by the submitters: PubMed 34001834 (cited by Labcorp Genetics (formerly Invitae), Labcorp).

NM_152443.3(RDH12):c.559G>A (p.Asp187Asn)

Genes: GPHN (gephyrin; plus strand), RDH12 (retinol dehydrogenase 12; plus strand). Cytogenetic location: 14q24.1.
Variant type: single nucleotide variant.
Coding change: c.559G>A on transcript NM_152443.3 (MANE Select); coding-DNA position 559, G replaced by A.
Protein change: p.Asp187Asn; replaces aspartic acid 187 with asparagine.
Molecular consequence: missense variant.
Genome position (GRCh38, 1-based): chr14:67,727,091, G>A. VCF-style: chr14-67727091-G-A. GRCh37 (hg19) VCF-style: chr14-68193808-G-A.
Other names: c.559G>A (NM_152443.2); short protein forms D187N.
Identifiers: ClinVar variation 2201291 (VCV002201291.6), dbSNP rs115356583, ClinGen allele CA7238748.
Genomic context (GRCh38, chr14:67,727,091, plus strand): 5'-CCTGCACGGGTGGTTAATGTGTCCTCGGTGGCTCACCACATTGGCAAGATTCCCTTCCAC[G>A]ACCTCCAGAGCGAGAAGCGCTACAGCAGGGGTTTTGCCTATTGCCACAGCAAGCTGGCCA-3'
Protein context (NP_689656.2, residues 177-197): AHHIGKIPFH[Asp187Asn]LQSEKRYSRG